The following is an entry in ClinVar:

ClinVar aggregate classification (germline): Likely benign. Review status: criteria provided, single submitter (1 of 4 stars). 2 submissions from 2 submitters: Likely benign (1). 1 of the submissions does not count toward it. Last evaluated 2025-01-03.

Conditions:
TRIM28-related disorder. Also called: TRIM28-related condition.

Allele frequency attached by ClinVar (database versions not stated): TOPMed 0.00003; gnomAD 0.00006; ExAC 0.00007; 1000 Genomes Project 30x 0.00031; 1000 Genomes Project 0.00040.
gnomAD v4.1: 113 of 1,613,492 alleles (0.007%); highest among the groups gnomAD compares: South Asian, 0.069%; 1 homozygote.

Submissions (2):

Labcorp Genetics (formerly Invitae), Labcorp
Classification: Likely benign. Last evaluated: 2025-01-03. Review status: criteria provided, single submitter. Criteria: Invitae Variant Classification Sherloc (09022015). Collection method: clinical testing. Allele origin: germline.

PreventionGenetics, part of Exact Sciences
Classification: Likely benign for TRIM28-related condition. Last evaluated: 2019-11-16. Review status: no assertion criteria provided. Collection method: clinical testing. Allele origin: germline. Not counted in ClinVar's aggregate classification.
Comment: This variant is classified as likely benign based on ACMG/AMP sequence variant interpretation guidelines (Richards et al. 2015 PMID: 25741868, with internal and published modifications).

NM_005762.3(TRIM28):c.1950C>T (p.Asp650=)

Gene: TRIM28 (tripartite motif containing 28; plus strand). Cytogenetic location: 19q13.43.
Variant type: single nucleotide variant.
Coding change: c.1950C>T on transcript NM_005762.3 (MANE Select); coding-DNA position 1950, C replaced by T.
Protein change: p.Asp650=; no amino-acid change (aspartic acid 650 retained).
Molecular consequence: synonymous variant.
Genome position (GRCh38, 1-based): chr19:58,549,618, C>T. VCF-style: chr19-58549618-C-T. GRCh37 (hg19) VCF-style: chr19-59060985-C-T.
Identifiers: ClinVar variation 3049245 (VCV003049245.4), dbSNP rs369075383, ClinGen allele CA9719422.